The following is an entry in ClinVar:

ClinVar aggregate classification (germline): Pathogenic/Likely pathogenic. Review status: criteria provided, multiple submitters, no conflicts (2 of 4 stars). 6 submissions from 6 submitters: Pathogenic (3); Likely pathogenic (2). 1 of the submissions does not count toward it. Last evaluated 2026-01-19.

Conditions:
FANCI-related disorders.
Fanconi anemia (FA). Also called: Fanconi's anemia. Identifiers: Orphanet 84, MedGen C0015625, MeSH D005199, MONDO:0019391.
Fanconi anemia complementation group I (FANCI). Also called: FANCI-Related Fanconi Anemia. Identifiers: Orphanet 84, MedGen C1836861, MONDO:0012186, OMIM 609053.

Allele frequency attached by ClinVar (database versions not stated): gnomAD exomes 0.00002 and 0.00003; ExAC 0.00003; gnomAD 0.00003; TOPMed 0.00003.

Submissions (6):

Labcorp Genetics (formerly Invitae), Labcorp
Classification: Pathogenic for Fanconi anemia. Last evaluated: 2026-01-19. Review status: criteria provided, single submitter. Criteria: Invitae Variant Classification Sherloc (09022015). Collection method: clinical testing. Allele origin: germline.
Comment: This sequence change creates a premature translational stop signal (p.Leu1208Valfs*11) in the FANCI gene. It is expected to result in an absent or disrupted protein product. Loss-of-function variants in FANCI are known to be pathogenic (PMID: 17452773, 17460694). This variant is present in population databases (rs796106594, gnomAD 0.01%). This variant has not been reported in the literature in individuals affected with FANCI-related conditions. ClinVar contains an entry for this variant (Variation ID: 929716). For these reasons, this variant has been classified as Pathogenic.

Blueprint Genetics
Classification: Likely pathogenic for FANCI-related disorders. Last evaluated: 2024-04-26. Review status: criteria provided, single submitter. Criteria: ACMG Guidelines, 2015. Collection method: clinical testing. Allele origin: germline. Affected: yes. Observed: 2 variant alleles.

Baylor Genetics
Classification: Pathogenic for Fanconi anemia complementation group I. Last evaluated: 2024-02-15. Review status: criteria provided, single submitter. Criteria: ACMG Guidelines, 2015. Collection method: clinical testing. Allele origin: unknown.

Fulgent Genetics
Classification: Likely pathogenic for Fanconi anemia complementation group I. Last evaluated: 2021-07-06. Review status: criteria provided, single submitter. Criteria: ACMG Guidelines, 2015. Collection method: clinical testing. Allele origin: unknown.

Juno Genomics, Hangzhou Juno Genomics, Inc
Classification: Pathogenic for Fanconi anemia complementation group I. Review status: criteria provided, single submitter. Criteria: ACMG Guidelines, 2015. Collection method: clinical testing. Allele origin: germline.
Comment: Absent from controls (or at extremely low frequency if recessive) in Genome Aggregation Database.;Null variant in a gene where loss of function (LOF) is a known mechanism of disease.;For recessive disorders, detected in trans with a pathogenic variant.;Patient's phenotype or family history is highly specific for a disease with a single genetic etiology.

Leiden Open Variation Database
Classification: Pathogenic for Fanconi anemia complementation group I. Last evaluated: 2011-02-07. Review status: no assertion criteria provided. Collection method: curation. Allele origin: germline. Affected: yes. Not counted in ClinVar's aggregate classification.
Comment: Curator: Arleen D. Auerbach. Submitter to LOVD: Arleen D. Auerbach.

Literature cited by the submitters: PubMed 17452773 (cited by Labcorp Genetics (formerly Invitae), Labcorp); PubMed 17460694 (cited by Labcorp Genetics (formerly Invitae), Labcorp).

NM_001113378.2(FANCI):c.3622_3623del (p.Leu1208fs)

Gene: FANCI (FA complementation group I; plus strand). Cytogenetic location: 15q26.1.
Variant type: Deletion.
Coding change: c.3622_3623del on transcript NM_001113378.2 (MANE Select); coding-DNA positions 3622 to 3623, 2 bases deleted (CT; older notation c.3622_3623delCT).
Protein change: p.Leu1208fs; shifts the reading frame from leucine 1208.
Molecular consequence: frameshift variant.
Genome position (GRCh38, 1-based): chr15:89,307,643-89,307,644, CT deleted. VCF-style (leftmost placement, unchanged base first): chr15-89307642-CCT-C. GRCh37 (hg19) VCF-style: chr15-89850873-CCT-C.
Other names: c.3343_3344del, p.Leu1115fs (NM_001376910.1); c.3622_3623del, p.Leu1208fs (NM_001376911.1); c.3442_3443del, p.Leu1148fs (NM_018193.3); short protein forms L1115fs, L1148fs, L1208fs.
Identifiers: ClinVar variation 929716 (VCV000929716.11), dbSNP rs1491132258, ClinGen allele CA7723791.